The following is an entry in ClinVar:

ClinVar aggregate classification (germline): Uncertain significance (1 of 4 stars; one submission).

Conditions:
SPECC1L-related syndrome.

gnomAD v4.1: 1 of 1,614,058 alleles (0.000062%); no homozygotes.

Submission:

Illumina Laboratory Services, Illumina
Classification: Uncertain significance for SPECC1L-related syndrome. Last evaluated: 2022-01-19. Review status: criteria provided, single submitter. Criteria: ICSLVariantClassificationCriteria RUGD 01 April 2020. Collection method: clinical testing. Allele origin: unknown.
Comment: The SPECC1L c.298A>T (p.Ile100Phe) missense variant results in the substitution of isoleucine at amino acid position 100 with phenylalanine. To our knowledge, this variant has not been reported in the peer-reviewed literature. This variant is not found in version 2.1.1 or 3.1.2 of the Genome Aggregation Database. Based on the available evidence, the c.298A>T (p.Ile100Phe) variant is classified as a variant of uncertain significance for SPECC1L-related syndrome.

NM_015330.6(SPECC1L):c.298A>T (p.Ile100Phe)

Genes: SPECC1L (sperm antigen with calponin homology and coiled-coil domains 1 like; plus strand), SPECC1L-ADORA2A (SPECC1L-ADORA2A readthrough (NMD candidate); plus strand). Cytogenetic location: 22q11.23.
Variant type: single nucleotide variant.
Coding change: c.298A>T on transcript NM_015330.6 (MANE Select); coding-DNA position 298, A replaced by T.
Protein change: p.Ile100Phe; replaces isoleucine 100 with phenylalanine.
Molecular consequence: missense variant. On other transcripts: non-coding transcript variant (1).
Genome position (GRCh38, 1-based): chr22:24,313,457, A>T. VCF-style: chr22-24313457-A-T. GRCh37 (hg19) VCF-style: chr22-24709425-A-T.
Other names: c.298A>T, p.Ile100Phe (NM_001145468.4, NM_001254732.3); short protein forms I100F.
Identifiers: ClinVar variation 1693299 (VCV001693299.3), dbSNP rs2146442657, ClinGen allele CA410961535.